The following is an entry in ClinVar:

ClinVar aggregate classification (germline): Uncertain significance (1 of 4 stars; one submission).

Conditions:
Hereditary cancer-predisposing syndrome. Also called: Hereditary Cancer Syndrome; Neoplastic Syndromes, Hereditary; Tumor predisposition; Hereditary neoplastic syndrome. Identifiers: Orphanet 140162, MedGen C0027672, MeSH D009386, MONDO:0015356.

Allele frequency attached by ClinVar (database versions not stated): gnomAD exomes below 0.00001; ExAC 0.00001.
gnomAD v4.1: 1 of 1,603,380 alleles (0.000062%); highest among the groups gnomAD compares: South Asian, 0.0011%; no homozygotes.

Submission:

Labcorp Genetics (formerly Invitae), Labcorp
Classification: Uncertain significance for Hereditary cancer-predisposing syndrome. Last evaluated: 2022-05-20. Review status: criteria provided, single submitter. Criteria: Invitae Variant Classification Sherloc (09022015). Collection method: clinical testing. Allele origin: germline.
Comment: This variant has not been reported in the literature in individuals affected with RAD50-related conditions. This sequence change replaces serine, which is neutral and polar, with proline, which is neutral and non-polar, at codon 603 of the RAD50 protein (p.Ser603Pro). This variant is present in population databases (rs781299632, gnomAD 0.007%). Algorithms developed to predict the effect of missense changes on protein structure and function are either unavailable or do not agree on the potential impact of this missense change (SIFT: "Deleterious"; PolyPhen-2: "Possibly Damaging"; Align-GVGD: "Class C0"). In summary, the available evidence is currently insufficient to determine the role of this variant in disease. Therefore, it has been classified as a Variant of Uncertain Significance.

NM_005732.4(RAD50):c.1807T>C (p.Ser603Pro)

Gene: RAD50 (RAD50 double strand break repair protein; plus strand). Cytogenetic location: 5q31.1.
Variant type: single nucleotide variant.
Coding change: c.1807T>C on transcript NM_005732.4 (MANE Select); coding-DNA position 1807, T replaced by C.
Protein change: p.Ser603Pro; replaces serine 603 with proline.
Molecular consequence: missense variant.
Genome position (GRCh38, 1-based): chr5:132,594,882, T>C. VCF-style: chr5-132594882-T-C. GRCh37 (hg19) VCF-style: chr5-131930574-T-C.
Other names: short protein forms S603P.
Identifiers: ClinVar variation 1980146 (VCV001980146.4), dbSNP rs781299632, ClinGen allele CA3405278.